The following is an entry in ClinVar:

NM_001297.5(CNGB1):c.1604T>C (p.Val535Ala)

Gene: CNGB1 (cyclic nucleotide gated channel subunit beta 1; minus strand). Cytogenetic location: 16q21.
Variant type: single nucleotide variant.
Coding change: c.1604T>C on transcript NM_001297.5 (MANE Select); coding-DNA position 1604, T replaced by C.
Protein change: p.Val535Ala; replaces valine 535 with alanine.
Molecular consequence: missense variant.
Genome position (GRCh38, 1-based): chr16:57,923,312, A>G on the plus strand (T>C on the coding strand, the complement: CNGB1 is on the minus strand). VCF-style: chr16-57923312-A-G. GRCh37 (hg19) VCF-style: chr16-57957216-A-G.
Other names: c.1586T>C, p.Val529Ala (NM_001286130.2); short protein forms V535A, V529A.
Identifiers: ClinVar variation 100567 (VCV000100567.16), dbSNP rs12927214, ClinGen allele CA228892.
Genomic context (GRCh38, chr16:57,923,312, plus strand): 5'-GAGACCCCAGAGGGGTCTCACTCAGTGTCCTTCGGGGTGGTGGGGTCAGACCAGGCAACC[A>G]CTGGGGACTCTGCTGGTGACAACGCCTTGAGCTCTTCAGCCTCATCATCCTCAGAGGGCA-3'
Protein context (NP_001288.3, residues 525-545): LKALSPAESP[Val535Ala]VAWSDPTTPK

ClinVar aggregate classification (germline): Benign. Review status: criteria provided, multiple submitters, no conflicts (2 of 4 stars). 5 submissions from 5 submitters: Benign (4). 1 of the submissions does not count toward it. Last evaluated 2026-02-04.

Conditions:
Retinitis pigmentosa (RP). Identifiers: Orphanet 791, MedGen C0035334, MeSH D012174, MONDO:0019200, OMIM 268000. Inheritance: Autosomal dominant, autosomal recessive and X linked inheritance.

Allele frequency attached by ClinVar (database versions not stated): gnomAD exomes 0.04448 and 0.05010; ExAC 0.04651; 1000 Genomes Project 0.04932; 1000 Genomes Project 30x 0.05200; TOPMed 0.05843; gnomAD 0.05861 and 0.05991; ESP Exome Variant Server 0.06168.
gnomAD v4.1: 81,798 of 1,607,182 alleles (5.1%); highest among the groups gnomAD compares: African/African-American, 8.7%; 2,371 homozygotes.

Submissions (5):

Labcorp Genetics (formerly Invitae), Labcorp
Classification: Benign. Last evaluated: 2026-02-04. Review status: criteria provided, single submitter. Criteria: Invitae Variant Classification Sherloc (09022015). Collection method: clinical testing. Allele origin: germline.

GeneDx
Classification: Benign. Last evaluated: 2021-04-27. Review status: criteria provided, single submitter. Criteria: GeneDx Variant Classification Process June 2021. Collection method: clinical testing. Allele origin: germline. Affected: yes.

Illumina Laboratory Services, Illumina
Classification: Benign for Retinitis pigmentosa. Last evaluated: 2018-01-12. Review status: criteria provided, single submitter. Criteria: ICSL Variant Classification Criteria 13 December 2019. Collection method: clinical testing. Allele origin: germline.
Comment: This variant was observed in the ICSL laboratory as part of a predisposition screen in an ostensibly healthy population. It had not been previously curated by ICSL or reported in the Human Gene Mutation Database (HGMD: prior to June 1st, 2018), and was therefore a candidate for classification through an automated scoring system. Utilizing variant allele frequency, disease prevalence and penetrance estimates, and inheritance mode, an automated score was calculated to assess if this variant is too frequent to cause the disease. Based on the score and internal cut-off values, a variant classified as benign is not then subjected to further curation. The score for this variant resulted in a classification of benign for this disease.

Breakthrough Genomics
Classification: Benign. Review status: criteria provided, single submitter. Criteria: ACMG Guidelines, 2015. Collection method: not provided. Allele origin: germline. Inheritance: Autosomal recessive inheritance. Affected: yes.

NEI Ophthalmic Genomics Laboratory, National Institutes of Health
No classification provided. Review status: no classification provided. Collection method: not provided. Allele origin: not provided. Not counted in ClinVar's aggregate classification.